The following is an entry in ClinVar:

ClinVar aggregate classification (germline): Uncertain significance (1 of 4 stars; one submission).

Conditions:
RIPK4-related disorder. Also called: RIPK4-related condition.

Submission:

PreventionGenetics, part of Exact Sciences
Classification: Uncertain significance for RIPK4-related condition. Last evaluated: 2022-12-23. Review status: criteria provided, single submitter. Criteria: ACMG Guidelines, 2015. Collection method: clinical testing. Allele origin: germline.
Comment: The RIPK4 c.814G>C variant is predicted to result in the amino acid substitution p.Val272Leu. To our knowledge, this variant has not been reported in the literature or in a large population database, indicating this variant is rare. At this time, the clinical significance of this variant is uncertain due to the absence of conclusive functional and genetic evidence.

NM_020639.3(RIPK4):c.814G>C (p.Val272Leu)

Gene: RIPK4 (receptor interacting serine/threonine kinase 4; minus strand). Cytogenetic location: 21q22.3.
Variant type: single nucleotide variant.
Coding change: c.814G>C on transcript NM_020639.3 (MANE Select); coding-DNA position 814, G replaced by C.
Protein change: p.Val272Leu; replaces valine 272 with leucine.
Molecular consequence: missense variant.
Genome position (GRCh38, 1-based): chr21:41,746,631, C>G on the plus strand (G>C on the coding strand, the complement: RIPK4 is on the minus strand). VCF-style: chr21-41746631-C-G. GRCh37 (hg19) VCF-style: chr21-43166791-C-G.
Other names: short protein forms V272L.
Identifiers: ClinVar variation 2630066 (VCV002630066.1), dbSNP rs2517319088, ClinGen allele CA410330217.